The following is an entry in ClinVar:

NM_014140.4(SMARCAL1):c.2290C>T (p.Arg764Trp)

Gene: SMARCAL1 (SNF2 related chromatin remodeling annealing helicase 1; plus strand). Cytogenetic location: 2q35.
Variant type: single nucleotide variant.
Coding change: c.2290C>T on transcript NM_014140.4 (MANE Select); coding-DNA position 2290, C replaced by T.
Protein change: p.Arg764Trp; replaces arginine 764 with tryptophan.
Molecular consequence: missense variant.
Genome position (GRCh38, 1-based): chr2:216,475,314, C>T. VCF-style: chr2-216475314-C-T. GRCh37 (hg19) VCF-style: chr2-217340037-C-T.
Other names: c.2290C>T, p.Arg764Trp (NM_001127207.2); short protein forms R764W.
Identifiers: ClinVar variation 495338 (VCV000495338.16), dbSNP rs1480919035, ClinGen allele CA350503975.

ClinVar aggregate classification (germline): Pathogenic/Likely pathogenic. Review status: criteria provided, multiple submitters, no conflicts (2 of 4 stars). 6 submissions from 6 submitters: Pathogenic (1); Likely pathogenic (3). 2 of the submissions do not count toward it. Last evaluated 2025-09-25.

Conditions:
Schimke immuno-osseous dysplasia (SIOD). Also called: Schimke Immunoosseous Dysplasia. Identifiers: Orphanet 1830, MedGen C0877024, MONDO:0009458, OMIM 242900.
Nephrotic syndrome. Identifiers: MedGen C0027726, MONDO:0005377, HP:0000100.

Allele frequency attached by ClinVar (database versions not stated): TOPMed below 0.00001; gnomAD 0.00001.

Submissions (6):

Natera, Inc.
Classification: Pathogenic for Schimke immuno-osseous dysplasia. Last evaluated: 2025-09-25. Review status: criteria provided, single submitter. Criteria: Natera Variant Classification Schema (03/2026). Collection method: clinical testing. Allele origin: germline.
Comment: The c.2290C>T variant in SMARCAL1 is a missense variant predicted to cause substitution of arginine to tryptophan at amino acid 764. This variant is rare in the general population with a frequency below the threshold expected for the associated phenotype(s). This variant has been observed in one or more individuals affected with the associated recessive disease, as either homozygous or compound heterozygous with a second variant (PMID: 39052144, 28796785, 29127259). Additionally, this variant has been observed to segregate in affected family members (PMID: 28796785). A different variant at the same position has been determined to be Pathogenic or Likely Pathogenic. Computational prediction algorithms indicate this variant is likely to affect gene or protein function. Given the available evidence, this variant is classified as Pathogenic.

Genomic Medicine Center of Excellence, King Faisal Specialist Hospital and Research Centre
Classification: Likely pathogenic for Schimke immuno-osseous dysplasia. Last evaluated: 2025-09-10. Review status: criteria provided, single submitter. Criteria: ACMG Guidelines, 2015. Collection method: clinical testing. Allele origin: germline.

Labcorp Genetics (formerly Invitae), Labcorp
Classification: Likely pathogenic for Schimke immuno-osseous dysplasia. Last evaluated: 2025-08-25. Review status: criteria provided, single submitter. Criteria: Invitae Variant Classification Sherloc (09022015). Collection method: clinical testing. Allele origin: germline.
Comment: This sequence change replaces arginine, which is basic and polar, with tryptophan, which is neutral and slightly polar, at codon 764 of the SMARCAL1 protein (p.Arg764Trp). The frequency data for this variant in the population databases is considered unreliable, as metrics indicate poor data quality at this position in the gnomAD database. This missense change has been observed in individual(s) with clinical features of Schimke immuno-osseous dysplasia or steroid-resistant nephrotic syndrome (PMID: 28796785, 29127259). It has also been observed to segregate with disease in related individuals. ClinVar contains an entry for this variant (Variation ID: 495338). Invitae Evidence Modeling of protein sequence and biophysical properties (such as structural, functional, and spatial information, amino acid conservation, physicochemical variation, residue mobility, and thermodynamic stability) indicates that this missense variant is expected to disrupt SMARCAL1 protein function with a positive predictive value of 80%. This variant disrupts the p.Arg764 amino acid residue in SMARCAL1. Other variant(s) that disrupt this residue have been determined to be pathogenic (PMID: 11799392, 18805831, 18974355, 22998683). This suggests that this residue is clinically significant, and that variants that disrupt this residue are likely to be disease-causing. In summary, the currently available evidence indicates that the variant is pathogenic, but additional data are needed to prove that conclusively. Therefore, this variant has been classified as Likely Pathogenic.

Fulgent Genetics
Classification: Likely pathogenic for Schimke immuno-osseous dysplasia. Last evaluated: 2024-02-09. Review status: criteria provided, single submitter. Criteria: ACMG Guidelines, 2015. Collection method: clinical testing. Allele origin: germline.

Yale Center for Mendelian Genomics, Yale University
Classification: Likely pathogenic for Nephrotic syndrome. Last evaluated: 2017-11-10. Review status: no assertion criteria provided. Collection method: literature only. Allele origin: germline. Affected: yes. Observed: 2 homozygotes. Study: Yale Center for Mendelian Genomics. Not counted in ClinVar's aggregate classification.

Broad Center for Mendelian Genomics, Broad Institute of MIT and Harvard
Classification: Uncertain significance for Schimke immuno-osseous dysplasia. Last evaluated: 2017-06-26. Review status: flagged submission. Criteria: ACMG Guidelines, 2015. Collection method: research. Allele origin: germline. Inheritance: Autosomal recessive inheritance. Affected: yes. Observed: 1 variant allele. Study: Broad Institute Center for Mendelian Genomics (CMG). Not counted in ClinVar's aggregate classification.
Comment: No reports in the literature identified for this variant. PM2: rare in reference population databases with AC=1 in gnomAD. PP3: In silico predicts damaging.
ClinVar note: Reason: Older and outlier claim with insufficient supporting evidence

Literature cited by the submitters: PubMed 39052144 (cited by Natera, Inc.); PubMed 28796785 (cited by Natera, Inc. and Labcorp Genetics (formerly Invitae), Labcorp); PubMed 29127259 (cited by 3 submitters); PubMed 11799392 (cited by Labcorp Genetics (formerly Invitae), Labcorp); PubMed 18805831 (cited by Labcorp Genetics (formerly Invitae), Labcorp); PubMed 18974355 (cited by Labcorp Genetics (formerly Invitae), Labcorp); PubMed 22998683 (cited by Labcorp Genetics (formerly Invitae), Labcorp).